The following is an entry in ClinVar:

NM_006361.6(HOXB13):c.768G>A (p.Ser256=)

Gene: HOXB13 (homeobox B13; minus strand). Cytogenetic location: 17q21.32.
Variant type: single nucleotide variant.
Coding change: c.768G>A on transcript NM_006361.6 (MANE Select); coding-DNA position 768, G replaced by A.
Protein change: p.Ser256=; no amino-acid change (serine 256 retained).
Molecular consequence: synonymous variant.
Genome position (GRCh38, 1-based): chr17:48,726,877, C>T on the plus strand (G>A on the coding strand, the complement: HOXB13 is on the minus strand). VCF-style: chr17-48726877-C-T. GRCh37 (hg19) VCF-style: chr17-46804239-C-T.
Identifiers: ClinVar variation 827195 (VCV000827195.14), dbSNP rs917899187, ClinGen allele CA291348941.
Genomic context (GRCh38, chr17:48,726,877, plus strand): 5'-GGCGAGAACCTTCTTCTCTTTGACCCGGCGGTTCTGAAACCAGATGGTAATCTGGCGCTC[C>T]GAGAGGCTGGTGGCTGCCGAGATCTTGCGCCTCTTGTCCTTGGTGATGAACTTGTTAGCC-3'
Protein context (NP_006352.2, residues 246-266): RRKISAATSL[Ser256=]ERQITIWFQN

ClinVar aggregate classification (germline): Benign/Likely benign. Review status: criteria provided, multiple submitters, no conflicts (2 of 4 stars). 3 submissions from 3 submitters: Benign (1); Likely benign (2). Last evaluated 2025-12-08.

Conditions:
Prostate cancer, hereditary, 9 (HPC9). Identifiers: Orphanet 1331, MedGen C1970250, MONDO:0012597, OMIM 610997.
Hereditary cancer-predisposing syndrome. Also called: Neoplastic Syndromes, Hereditary; Tumor predisposition; Hereditary neoplastic syndrome; Hereditary Cancer Syndrome. Identifiers: Orphanet 140162, MedGen C0027672, MeSH D009386, MONDO:0015356.

Allele frequency attached by ClinVar (database versions not stated): gnomAD exomes 0.00001.
gnomAD v4.1: 3 of 1,614,164 alleles (0.00019%); highest among the groups gnomAD compares: East Asian, 0.0022%; no homozygotes.

Submissions (3):

Labcorp Genetics (formerly Invitae), Labcorp
Classification: Likely benign. Last evaluated: 2025-12-08. Review status: criteria provided, single submitter. Criteria: Invitae Variant Classification Sherloc (09022015). Collection method: clinical testing. Allele origin: germline.

Myriad Genetics, Inc.
Classification: Benign for Prostate cancer, hereditary, 9. Last evaluated: 2024-10-31. Review status: criteria provided, single submitter. Criteria: Myriad Autosomal Dominant, Autosomal Recessive and X-Linked Classification Criteria (2023). Collection method: clinical testing. Allele origin: unknown.
Comment: This variant is considered benign. This variant is a silent/synonymous amino acid change and it is not expected to impact splicing.

Ambry Genetics
Classification: Likely benign for Hereditary cancer-predisposing syndrome. Last evaluated: 2018-06-25. Review status: criteria provided, single submitter. Criteria: Ambry Variant Classification Scheme 2023. Collection method: clinical testing. Allele origin: germline.